The following is an entry in ClinVar:

ClinVar aggregate classification (germline): Conflicting classifications of pathogenicity. Review status: criteria provided, conflicting classifications (1 of 4 stars). 4 submissions from 4 submitters: Uncertain significance (1); Likely benign (3). Last evaluated 2025-11-25.

Allele frequency attached by ClinVar (database versions not stated): ExAC 0.00003; TOPMed 0.00004; gnomAD 0.00010 and 0.00011; ESP Exome Variant Server 0.00017.
gnomAD v4.1: 96 of 1,613,780 alleles (0.0059%); highest among the groups gnomAD compares: Non-Finnish European, 0.0077%; 1 homozygote.

Submissions (4):

Labcorp Genetics (formerly Invitae), Labcorp
Classification: Likely benign. Last evaluated: 2025-11-25. Review status: criteria provided, single submitter. Criteria: Invitae Variant Classification Sherloc (09022015). Collection method: clinical testing. Allele origin: germline.

Blueprint Genetics
Classification: Likely benign. Last evaluated: 2024-09-18. Review status: criteria provided, single submitter. Criteria: ACMG Guidelines, 2015. Collection method: clinical testing. Allele origin: germline.

Laboratory for Molecular Medicine, Mass General Brigham Personalized Medicine
Classification: Likely benign. Last evaluated: 2016-04-08. Review status: criteria provided, single submitter. Criteria: LMM Criteria. Collection method: clinical testing. Allele origin: germline. Observed: 1 variant allele.
Comment: p.Gly3441Gly in exon 49 of GPR98: This variant is not expected to have clinical significance because it does not alter an amino acid residue, is not located wit hin the splice consensus sequence, and has been identified in 4/66680 European c hromosomes by the Exome Aggregation Consortium (ExAC .org; dbSNP rs373354231).

Eurofins Ntd Llc (ga)
Classification: Uncertain significance. Last evaluated: 2015-03-13. Review status: criteria provided, single submitter. Criteria: EGL Classification Definitions 2015. Collection method: clinical testing. Allele origin: germline. Observed: 1 variant allele, 1 heterozygote.

NM_032119.4(ADGRV1):c.10323G>T (p.Gly3441=)

Gene: ADGRV1 (adhesion G protein-coupled receptor V1; plus strand). Cytogenetic location: 5q14.3.
Variant type: single nucleotide variant.
Coding change: c.10323G>T on transcript NM_032119.4 (MANE Select); coding-DNA position 10323, G replaced by T.
Protein change: p.Gly3441=; no amino-acid change (glycine 3441 retained).
Molecular consequence: synonymous variant. On other transcripts: non-coding transcript variant (1).
Genome position (GRCh38, 1-based): chr5:90,728,830, G>T. VCF-style: chr5-90728830-G-T. GRCh37 (hg19) VCF-style: chr5-90024647-G-T.
Identifiers: ClinVar variation 197611 (VCV000197611.18), dbSNP rs373354231, ClinGen allele CA245868.
Genomic context (GRCh38, chr5:90,728,830, plus strand): 5'-AGCCATTTCCCAGGCTAATGCCAGGCTAAACTCCCTTTTATTCAGATGGTCTGGCAGTGG[G>T]TTTATTAACTTTCAAGAGGTGCCTGTCAGTGGGACAACAGAAGTTGAGGCTTTGTCTTCA-3'
Protein context (NP_115495.3, residues 3431-3451): NSLLFRWSGS[Gly3441=]FINFQEVPVS